The following is an entry in ClinVar:

ClinVar aggregate classification (germline): Uncertain significance. Review status: criteria provided, multiple submitters, no conflicts (2 of 4 stars). 2 submissions from 2 submitters: Uncertain significance (2). Last evaluated 2023-10-10.

Conditions:
Kleefstra syndrome 1 (KLEFS1). Identifiers: Orphanet 261494, MedGen C0795833, MONDO:0027407, OMIM 610253.

Submissions (2):

Labcorp Genetics (formerly Invitae), Labcorp
Classification: Uncertain significance for Kleefstra syndrome 1. Last evaluated: 2023-10-10. Review status: criteria provided, single submitter. Criteria: Invitae Variant Classification Sherloc (09022015). Collection method: clinical testing. Allele origin: germline.
Comment: This sequence change replaces threonine, which is neutral and polar, with asparagine, which is neutral and polar, at codon 154 of the EHMT1 protein (p.Thr154Asn). This variant is not present in population databases (gnomAD no frequency). This variant has not been reported in the literature in individuals affected with EHMT1-related conditions. ClinVar contains an entry for this variant (Variation ID: 1699820). An algorithm developed to predict the effect of missense changes on protein structure and function (PolyPhen-2) suggests that this variant is likely to be disruptive. In summary, the available evidence is currently insufficient to determine the role of this variant in disease. Therefore, it has been classified as a Variant of Uncertain Significance.

GeneDx
Classification: Uncertain significance. Last evaluated: 2022-01-27. Review status: criteria provided, single submitter. Criteria: GeneDx Variant Classification Process June 2021. Collection method: clinical testing. Allele origin: germline. Affected: yes.
Comment: Not observed at significant frequency in large population cohorts (gnomAD); In silico analysis supports that this missense variant does not alter protein structure/function; Has not been previously published as pathogenic or benign to our knowledge

NM_024757.5(EHMT1):c.461C>A (p.Thr154Asn)

Gene: EHMT1 (euchromatic histone lysine methyltransferase 1; plus strand). Cytogenetic location: 9q34.3.
Variant type: single nucleotide variant.
Coding change: c.461C>A on transcript NM_024757.5 (MANE Select); coding-DNA position 461, C replaced by A.
Protein change: p.Thr154Asn; replaces threonine 154 with asparagine.
Molecular consequence: missense variant.
Genome position (GRCh38, 1-based): chr9:137,717,001, C>A. VCF-style: chr9-137717001-C-A. GRCh37 (hg19) VCF-style: chr9-140611453-C-A.
Other names: c.461C>A, p.Thr154Asn (NM_001145527.2, NM_001354263.2, NM_001354611.2); c.368C>A, p.Thr123Asn (NM_001354259.2, NM_001354612.2); short protein forms T123N, T154N.
Identifiers: ClinVar variation 1699820 (VCV001699820.5), dbSNP rs2135509210, ClinGen allele CA375765225.